The following is an entry in ClinVar:

NM_015865.7(SLC14A1):c.838G>A (p.Asp280Asn)

Gene: SLC14A1 (solute carrier family 14 member 1 (Kidd blood group); plus strand). Cytogenetic location: 18q12.3.
Variant type: single nucleotide variant.
Coding change: c.838G>A on transcript NM_015865.7 (MANE Select); coding-DNA position 838, G replaced by A.
Protein change: p.Asp280Asn; replaces aspartic acid 280 with asparagine.
Molecular consequence: missense variant.
Genome position (GRCh38, 1-based): chr18:45,739,554, G>A. VCF-style: chr18-45739554-G-A. GRCh37 (hg19) VCF-style: chr18-43319519-G-A.
Other names: c.1006G>A, p.Asp336Asn (NM_001128588.4, NM_001146037.1); c.838G>A, p.Asp280Asn (NM_001146036.3); c.523G>A, p.Asp175Asn (NM_001308278.2); c.442G>A, p.Asp148Asn (NM_001308279.2); c.838G>A (NM_015865.6); short protein forms D280N, D148N, D175N, D336N.
Identifiers: ClinVar variation 17717 (VCV000017717.4), dbSNP rs1058396, ClinGen allele CA127340.

ClinVar aggregate classification (germline): Benign. Review status: criteria provided, single submitter (1 of 4 stars). 3 submissions from 3 submitters: Benign (1). 2 of the submissions do not count toward it.

Conditions:
KIDD BLOOD POLYMORPHISM Jk(a)/Jk(b).
SLC14A1-related disorder. Also called: SLC14A1-related condition.

Allele frequency attached by ClinVar (database versions not stated): 1000 Genomes Project 30x 0.40725; 1000 Genomes Project 0.41094; TOPMed 0.41522; gnomAD 0.41724 and 0.42051; ExAC 0.46954; gnomAD exomes 0.47147 and 0.47491.
gnomAD v4.1: 756,897 of 1,613,474 alleles (47%); highest among the groups gnomAD compares: East Asian, 54%; 180,070 homozygotes.

Submissions (3):

Breakthrough Genomics
Classification: Benign. Review status: criteria provided, single submitter. Criteria: ACMG Guidelines, 2015. Collection method: not provided. Allele origin: germline. Inheritance: Unknown mechanism. Affected: yes.

PreventionGenetics, part of Exact Sciences
Classification: Benign for SLC14A1-related condition. Last evaluated: 2019-10-17. Review status: no assertion criteria provided. Collection method: clinical testing. Allele origin: germline. Not counted in ClinVar's aggregate classification.
Comment: This variant is classified as benign based on ACMG/AMP sequence variant interpretation guidelines (Richards et al. 2015 PMID: 25741868, with internal and published modifications).

OMIM
Classification: Benign for KIDD BLOOD POLYMORPHISM Jk(a)/Jk(b). Last evaluated: 1997-07-01. Review status: no assertion criteria provided. Collection method: literature only. Allele origin: germline. Not counted in ClinVar's aggregate classification.

Literature cited by the submitters: PubMed 9215669 (cited by OMIM).